The following is an entry in ClinVar:

NM_001174150.2(ARL13B):c.415G>A (p.Gly139Arg)

Gene: ARL13B (ARF like GTPase 13B; plus strand). Cytogenetic location: 3q11.2.
Variant type: single nucleotide variant.
Coding change: c.415G>A on transcript NM_001174150.2 (MANE Select); coding-DNA position 415, G replaced by A.
Protein change: p.Gly139Arg; replaces glycine 139 with arginine.
Molecular consequence: missense variant. On other transcripts: non-coding transcript variant (2).
Genome position (GRCh38, 1-based): chr3:94,035,365, G>A. VCF-style: chr3-94035365-G-A. GRCh37 (hg19) VCF-style: chr3-93754209-G-A.
Other names: c.106G>A, p.Gly36Arg (NM_001174151.2); c.370G>A, p.Gly124Arg (NM_001321328.2); c.415G>A, p.Gly139Arg (NM_001410782.1, NM_182896.3); c.94G>A, p.Gly32Arg (NM_144996.4); short protein forms G36R, G124R, G139R, G32R.
Identifiers: ClinVar variation 1918285 (VCV001918285.5), dbSNP rs745962638, ClinGen allele CA2504031.
Genomic context (GRCh38, chr3:94,035,365, plus strand): 5'-ATAAAAGTACTTTAATTATCTTTCAGGTTGGCAAATAAACAAGATAAAGAAGGAGCTTTA[G>A]GAGAAGCTGATGTCATTGAATGTCTATCTCTGGAAAAATTGGTCAATGAGCACAAGTGCC-3'
Protein context (NP_001167621.1, residues 129-149): ANKQDKEGAL[Gly139Arg]EADVIECLSL

ClinVar aggregate classification (germline): Uncertain significance (1 of 4 stars; one submission).

Conditions:
Joubert syndrome 8 (JBTS8). Identifiers: Orphanet 475, MedGen C2676771, MONDO:0012855, OMIM 612291.

Allele frequency attached by ClinVar (database versions not stated): ExAC 0.00001; gnomAD exomes 0.00001.
gnomAD v4.1: 3 of 1,611,080 alleles (0.00019%); highest among the groups gnomAD compares: Admixed American, 0.005%; no homozygotes.

Submission:

Labcorp Genetics (formerly Invitae), Labcorp
Classification: Uncertain significance for Joubert syndrome 8. Last evaluated: 2022-10-16. Review status: criteria provided, single submitter. Criteria: Invitae Variant Classification Sherloc (09022015). Collection method: clinical testing. Allele origin: germline.
Comment: Advanced modeling of protein sequence and biophysical properties (such as structural, functional, and spatial information, amino acid conservation, physicochemical variation, residue mobility, and thermodynamic stability) performed at Invitae indicates that this missense variant is not expected to disrupt ARL13B protein function. This sequence change replaces glycine, which is neutral and non-polar, with arginine, which is basic and polar, at codon 139 of the ARL13B protein (p.Gly139Arg). This variant is present in population databases (rs745962638, gnomAD 0.009%). This variant has not been reported in the literature in individuals affected with ARL13B-related conditions. In summary, the available evidence is currently insufficient to determine the role of this variant in disease. Therefore, it has been classified as a Variant of Uncertain Significance.